The following is an entry in ClinVar:

NM_000229.2(LCAT):c.1267C>T (p.Arg423Cys)

Gene: LCAT (lecithin-cholesterol acyltransferase; minus strand). Cytogenetic location: 16q22.1.
Variant type: single nucleotide variant.
Coding change: c.1267C>T on transcript NM_000229.2 (MANE Select); coding-DNA position 1267, C replaced by T.
Protein change: p.Arg423Cys; replaces arginine 423 with cysteine.
Molecular consequence: missense variant.
Genome position (GRCh38, 1-based): chr16:67,939,960, G>A on the plus strand (C>T on the coding strand, the complement: LCAT is on the minus strand). VCF-style: chr16-67939960-G-A. GRCh37 (hg19) VCF-style: chr16-67973863-G-A.
Other names: short protein forms R423C.
Identifiers: ClinVar variation 1764448 (VCV001764448.3), dbSNP rs370803551, ClinGen allele CA8120862.

ClinVar aggregate classification (germline): Likely pathogenic. Review status: criteria provided, multiple submitters, no conflicts (2 of 4 stars). 2 submissions from 2 submitters: Likely pathogenic (2). Last evaluated 2026-01-13.

Conditions:
Cardiovascular phenotype. Identifiers: MedGen CN230736.

Allele frequency attached by ClinVar (database versions not stated): TOPMed 0.00001; gnomAD 0.00002; ExAC 0.00004.
gnomAD v4.1: 33 of 1,613,484 alleles (0.002%); highest among the groups gnomAD compares: East Asian, 0.0045%; no homozygotes.

Submissions (2):

Labcorp Genetics (formerly Invitae), Labcorp
Classification: Likely pathogenic. Last evaluated: 2026-01-13. Review status: criteria provided, single submitter. Criteria: Invitae Variant Classification Sherloc (09022015). Collection method: clinical testing. Allele origin: germline.
Comment: This sequence change replaces arginine, which is basic and polar, with cysteine, which is neutral and slightly polar, at codon 423 of the LCAT protein (p.Arg423Cys). This variant is present in population databases (rs370803551, gnomAD 0.03%). This missense change has been observed in individual(s) with LCAT-related conditions (PMID: 7749857). In at least one individual the data is consistent with being in trans (on the opposite chromosome) from a pathogenic variant. It has also been observed to segregate with disease in related individuals. ClinVar contains an entry for this variant (Variation ID: 1764448). Invitae Evidence Modeling of protein sequence and biophysical properties (such as structural, functional, and spatial information, amino acid conservation, physicochemical variation, residue mobility, and thermodynamic stability) has been performed for this missense variant. However, the output from this modeling did not meet the statistical confidence thresholds required to predict the impact of this variant on LCAT protein function. Experimental studies have shown that this missense change affects LCAT function (PMID: 7749857). In summary, the currently available evidence indicates that the variant is pathogenic, but additional data are needed to prove that conclusively. Therefore, this variant has been classified as Likely Pathogenic.

Ambry Genetics
Classification: Likely pathogenic for Cardiovascular phenotype. Last evaluated: 2020-05-08. Review status: criteria provided, single submitter. Criteria: Ambry Variant Classification Scheme 2023. Collection method: clinical testing. Allele origin: germline.
Comment: The p.R423C variant (also known as c.1267C>T), located in coding exon 6 of the LCAT gene, results from a C to T substitution at nucleotide position 1267. The arginine at codon 423 is replaced by cysteine, an amino acid with highly dissimilar properties. This variant (described as R399C) was reported in a Finnish family with familial LCAT deficiency, including two compound heterozygous affected individuals, both of whom had an exon 1 truncation detected in trans; this variant was also detected in two heterozygous carrier relatives with somewhat reduced HDL-C levels (Miettinen H et al. Arterioscler. Thromb. Vasc. Biol., 1995 Apr;15:460-7). This amino acid position is highly conserved in available vertebrate species. In addition, this alteration is predicted to be deleterious by in silico analysis. Based on the majority of available evidence to date, this variant is likely to be pathogenic.

Literature cited by the submitters: PubMed 7749857 (cited by Labcorp Genetics (formerly Invitae), Labcorp and Ambry Genetics).